The following is an entry in ClinVar:

NM_000051.4(ATM):c.1607G>T (p.Cys536Phe)

Gene: ATM (ATM serine/threonine kinase; plus strand). Cytogenetic location: 11q22.3.
Variant type: single nucleotide variant.
Coding change: c.1607G>T on transcript NM_000051.4 (MANE Select); coding-DNA position 1607, G replaced by T.
Protein change: p.Cys536Phe; replaces cysteine 536 with phenylalanine.
Molecular consequence: missense variant.
Genome position (GRCh38, 1-based): chr11:108,251,072, G>T. VCF-style: chr11-108251072-G-T. GRCh37 (hg19) VCF-style: chr11-108121799-G-T.
Other names: c.1607G>T, p.Cys536Phe (NM_001351834.2); short protein forms C536F.
Identifiers: ClinVar variation 850931 (VCV000850931.10), dbSNP rs769788188, ClinGen allele CA382534456.

ClinVar aggregate classification (germline): Uncertain significance. Review status: criteria provided, multiple submitters, no conflicts (2 of 4 stars). 3 submissions from 3 submitters: Uncertain significance (3). Last evaluated 2025-04-22.

Conditions:
Hereditary cancer-predisposing syndrome. Also called: Neoplastic Syndromes, Hereditary; Hereditary Cancer Syndrome; Hereditary neoplastic syndrome; Tumor predisposition. Identifiers: Orphanet 140162, MedGen C0027672, MeSH D009386, MONDO:0015356.
Ataxia-telangiectasia syndrome (AT). Also called: Ataxia-telangiectasia, complementation group E; Cerebello-oculocutaneous telangiectasia; Immunodeficiency with ataxia telangiectasia; Ataxia-telangiectasia, complementation group D; AT, COMPLEMENTATION GROUP C; Ataxia-telangiectasia. Identifiers: Orphanet 100, MedGen C0004135, MONDO:0008840, OMIM 208900.

Allele frequency attached by ClinVar (database versions not stated): gnomAD exomes below 0.00001.
gnomAD v4.1: 1 of 1,613,836 alleles (0.000062%); highest among the groups gnomAD compares: Non-Finnish European, 0.000085%; no homozygotes.

Submissions (3):

Quest Diagnostics Nichols Institute San Juan Capistrano
Classification: Uncertain significance. Last evaluated: 2025-04-22. Review status: criteria provided, single submitter. Criteria: Quest Diagnostics criteria. Collection method: clinical testing. Allele origin: unknown.

Ambry Genetics
Classification: Uncertain significance for Hereditary cancer-predisposing syndrome. Last evaluated: 2024-12-20. Review status: criteria provided, single submitter. Criteria: Ambry Variant Classification Scheme 2023. Collection method: clinical testing. Allele origin: germline.
Comment: The c.1607G>T variant (also known as p.C536F), located in coding exon 9 of the ATM gene, results from a G to T substitution at nucleotide position 1607. The amino acid change results in cysteine to phenylalanine at codon 536, an amino acid with highly dissimilar properties. However, this change occurs in the last base pair of coding exon 9, which makes it likely to have some effect on normal mRNA splicing. This nucleotide position is not well conserved in available vertebrate species. This amino acid position is not well conserved in available vertebrate species. In silico splice site analysis predicts that this alteration will weaken the native splice donor site. In addition, this alteration is predicted to be tolerated by in silico analysis. Based on the available evidence, the clinical significance of this variant remains unclear.

Labcorp Genetics (formerly Invitae), Labcorp
Classification: Uncertain significance for Ataxia-telangiectasia syndrome. Last evaluated: 2019-03-26. Review status: criteria provided, single submitter. Criteria: Invitae Variant Classification Sherloc (09022015). Collection method: clinical testing. Allele origin: germline.
Comment: In summary, the available evidence is currently insufficient to determine the role of this variant in disease. Therefore, it has been classified as a Variant of Uncertain Significance. Nucleotide substitutions within the consensus splice site are a relatively common cause of aberrant splicing (PMID: 17576681, 9536098). Algorithms developed to predict the effect of sequence changes on RNA splicing suggest that this variant may disrupt the consensus splice site, but this prediction has not been confirmed by published transcriptional studies. Algorithms developed to predict the effect of missense changes on protein structure and function (SIFT, PolyPhen-2, Align-GVGD) all suggest that this variant is likely to be tolerated, but these predictions have not been confirmed by published functional studies and their clinical significance is uncertain. This sequence change replaces cysteine with phenylalanine at codon 536 of the ATM protein (p.Cys536Phe). The cysteine residue is weakly conserved and there is a large physicochemical difference between cysteine and phenylalanine. This variant also falls at the last nucleotide of exon 10 of the ATM coding sequence, which is part of the consensus splice site for this exon. This variant is not present in population databases (ExAC no frequency). This variant has not been reported in the literature in individuals with ATM-related conditions.

Literature cited by the submitters: PubMed 17576681 (cited by Labcorp Genetics (formerly Invitae), Labcorp); PubMed 9536098 (cited by Labcorp Genetics (formerly Invitae), Labcorp).